The following is an entry in ClinVar:

ClinVar aggregate classification (germline): Pathogenic/Likely pathogenic. Review status: criteria provided, multiple submitters, no conflicts (2 of 4 stars). 2 submissions from 2 submitters: Pathogenic (1); Likely pathogenic (1). Last evaluated 2025-08-28.

Submissions (2):

Mayo Clinic Laboratories, Mayo Clinic
Classification: Likely pathogenic. Last evaluated: 2025-08-28. Review status: criteria provided, single submitter. Criteria: ACMG Guidelines, 2015. Collection method: clinical testing. Allele origin: germline. Observed: 1 variant allele.
Comment: PM2_supporting, PVS1

PreventionGenetics, part of Exact Sciences
Classification: Pathogenic. Last evaluated: 2016-07-19. Review status: criteria provided, single submitter. Criteria: ACMG Guidelines, 2015. Collection method: clinical testing. Allele origin: germline.

Literature cited by the submitters: PubMed 12404106 (cited by Mayo Clinic Laboratories, Mayo Clinic).

NM_194454.3(KRIT1):c.1237_1240del (p.Glu413fs)

Gene: KRIT1 (KRIT1 ankyrin repeat containing; minus strand). Cytogenetic location: 7q21.2.
Variant type: Microsatellite.
Coding change: c.1237_1240del on transcript NM_194454.3 (MANE Select); coding-DNA positions 1237 to 1240, 4 bases deleted (GAAG; older notation c.1237_1240delGAAG).
Protein change: p.Glu413fs; shifts the reading frame from glutamic acid 413.
Molecular consequence: frameshift variant.
Genome position (GRCh38, 1-based): chr7:92,225,734-92,225,737, CTTC deleted on the plus strand (GAAG on the coding strand, the reverse complement: KRIT1 is on the minus strand); deleting any 4 consecutive bases within chr7:92,225,734-92,225,741 gives the same sequence; the c. name uses the placement nearest the transcript's 3' end. VCF-style (leftmost placement, unchanged base first): chr7-92225733-GCTTC-G. GRCh37 (hg19) VCF-style: chr7-91855047-GCTTC-G.
Other names: p.Glu413Glnfs*23; c.1237_1240delGAAG (NM_194456.1); c.1093_1096del, p.Glu365fs (NM_001013406.2, NM_001350669.1, NM_001350670.1); c.523_526del, p.Glu175fs (NM_001350671.1); c.1237_1240del, p.Glu413fs (NM_001350672.1, NM_001350673.1, NM_001350674.1 and 26 more transcripts); short protein forms E365fs, E175fs, E413fs.
Identifiers: ClinVar variation 590692 (VCV000590692.3), dbSNP rs1563275256, ClinGen allele CA891862691.